The following is an entry in ClinVar:

ClinVar aggregate classification (germline): Uncertain significance (1 of 4 stars; one submission).

Conditions:
Myopathy, tubular aggregate, 2 (TAM2). Identifiers: MedGen C4014557, MONDO:0014383, OMIM 615883.
Combined immunodeficiency due to ORAI1 deficiency. Also called: IMMUNODEFICIENCY 9. Identifiers: Orphanet 169090, Orphanet 317428, MedGen C2748568, MONDO:0013007, OMIM 612782.

Submission:

Labcorp Genetics (formerly Invitae), Labcorp
Classification: Uncertain significance for Myopathy, tubular aggregate, 2; Combined immunodeficiency due to ORAI1 deficiency. Last evaluated: 2024-10-24. Review status: criteria provided, single submitter. Criteria: Invitae Variant Classification Sherloc (09022015). Collection method: clinical testing. Allele origin: germline.
Comment: This sequence change replaces glutamine, which is neutral and polar, with arginine, which is basic and polar, at codon 283 of the ORAI1 protein (p.Gln283Arg). This variant is not present in population databases (gnomAD no frequency). This variant has not been reported in the literature in individuals affected with ORAI1-related conditions. Experimental studies and prediction algorithms are not available or were not evaluated, and the functional significance of this variant is currently unknown. In summary, the available evidence is currently insufficient to determine the role of this variant in disease. Therefore, it has been classified as a Variant of Uncertain Significance.

NC_000012.12:g.121641585A>G

Gene: ORAI1 (ORAI calcium release-activated calcium modulator 1; plus strand). Cytogenetic location: 12q24.31.
Variant type: single nucleotide variant.
Molecular consequence: non-coding transcript variant (on NR_186857.1).
Genome position: GRCh38 VCF-style: chr12-121641585-A-G. GRCh37 (hg19) VCF-style: chr12-122079491-A-G.
Identifiers: ClinVar variation 3750629 (VCV003750629.2).